The following is an entry in ClinVar:

NM_003072.5(SMARCA4):c.4170+5A>G

Gene: SMARCA4 (SWI/SNF related BAF chromatin remodeling complex subunit ATPase 4; plus strand). Cytogenetic location: 19p13.2.
Variant type: single nucleotide variant.
Coding change: c.4170+5A>G on transcript NM_003072.5 (MANE Select); 5 bases into the intron after coding-DNA position 4170, A replaced by G.
Molecular consequence: intron variant.
Genome position (GRCh38, 1-based): chr19:11,035,137, A>G. VCF-style: chr19-11035137-A-G. GRCh37 (hg19) VCF-style: chr19-11145813-A-G.
Other names: c.4170+5A>G (NM_001128849.2, NM_001128844.3, NM_001128849.3 and 1 more transcripts); c.4071+5A>G (NM_001128847.4, NM_001374457.1, NM_001128845.2 and 2 more transcripts).
Identifiers: ClinVar variation 408608 (VCV000408608.27), dbSNP rs749029481, ClinGen allele CA9204596.

ClinVar aggregate classification (germline): Benign/Likely benign. Review status: criteria provided, multiple submitters, no conflicts (2 of 4 stars). 9 submissions from 9 submitters: Benign (3); Likely benign (4). 2 of the submissions do not count toward it. Last evaluated 2026-07-16.

Conditions:
SMARCA4-related disorder. Also called: SMARCA4-related condition.
Hereditary cancer-predisposing syndrome. Also called: Hereditary Cancer Syndrome; Hereditary neoplastic syndrome; Neoplastic Syndromes, Hereditary; Tumor predisposition. Identifiers: Orphanet 140162, MedGen C0027672, MeSH D009386, MONDO:0015356.
Intellectual disability, autosomal dominant 16 (CSS4). Also called: COFFIN-SIRIS SYNDROME 4. Identifiers: Orphanet 1465, MedGen C3553249, MONDO:0013821, OMIM 614609.
Rhabdoid tumor predisposition syndrome 2 (RTPS2). Identifiers: Orphanet 231108, Orphanet 69077, MedGen C2750074, MONDO:0013224, OMIM 613325.
Coffin-Siris syndrome. Identifiers: Orphanet 1465, MedGen C0265338, MONDO:0015452.
Ovarian neoplasm. Also called: Ovarian Neoplasms; Ovarian tumor; Neoplasm of ovary. Identifiers: MedGen C0919267, MeSH D010051, MONDO:0021068, HP:0100615.

Allele frequency attached by ClinVar (database versions not stated): ExAC 0.00002; gnomAD 0.00004; gnomAD exomes 0.00003.
gnomAD v4.1: 36 of 1,610,006 alleles (0.0022%); highest among the groups gnomAD compares: Non-Finnish European, 0.003%; no homozygotes.

Submissions (9):

Myriad Genetics, Inc.
Classification: Benign for Rhabdoid tumor predisposition syndrome 2. Last evaluated: 2026-07-16. Review status: criteria provided, single submitter. Criteria: Myriad Autosomal Dominant, Autosomal Recessive and X-Linked Classification Criteria (2023). Collection method: clinical testing. Allele origin: unknown.
Comment: This variant is considered benign. This variant is intronic and is not expected to impact mRNA splicing. This variant has been observed at a population frequency that is significantly greater than expected given the associated disease prevalence and penetrance.

CeGaT Center for Human Genetics Tuebingen
Classification: Likely benign. Last evaluated: 2026-06-01. Review status: criteria provided, single submitter. Criteria: CeGaT Center For Human Genetics Tuebingen Variant Classification Criteria Version 2. Collection method: clinical testing. Allele origin: germline. Affected: yes. Observed: 1 variant allele.
Comment: SMARCA4: BP4

Labcorp Genetics (formerly Invitae), Labcorp
Classification: Likely benign for Rhabdoid tumor predisposition syndrome 2. Last evaluated: 2026-01-18. Review status: criteria provided, single submitter. Criteria: Invitae Variant Classification Sherloc (09022015). Collection method: clinical testing. Allele origin: germline.

Blueprint Genetics
Classification: Likely benign. Last evaluated: 2023-12-12. Review status: criteria provided, single submitter. Criteria: ACMG Guidelines, 2015. Collection method: clinical testing. Allele origin: germline.

Genome-Nilou Lab
Classification: Likely benign for Intellectual disability, autosomal dominant 16. Last evaluated: 2021-07-15. Review status: criteria provided, single submitter. Criteria: ACMG Guidelines, 2015. Collection method: clinical testing. Allele origin: germline. Affected: no.

Ambry Genetics
Classification: Benign for Hereditary cancer-predisposing syndrome. Last evaluated: 2019-05-29. Review status: criteria provided, single submitter. Criteria: Ambry Variant Classification Scheme 2023. Collection method: clinical testing. Allele origin: germline.

Illumina Laboratory Services, Illumina
Classification: Benign for Coffin-Siris syndrome. Last evaluated: 2018-01-12. Review status: criteria provided, single submitter. Criteria: ICSL Variant Classification Criteria 13 December 2019. Collection method: clinical testing. Allele origin: germline.
Comment: This variant was observed in the ICSL laboratory as part of a predisposition screen in an ostensibly healthy population. It had not been previously curated by ICSL or reported in the Human Gene Mutation Database (HGMD: prior to June 1st, 2018), and was therefore a candidate for classification through an automated scoring system. Utilizing variant allele frequency, disease prevalence and penetrance estimates, and inheritance mode, an automated score was calculated to assess if this variant is too frequent to cause the disease. Based on the score and internal cut-off values, a variant classified as benign is not then subjected to further curation. The score for this variant resulted in a classification of benign for this disease.

PreventionGenetics, part of Exact Sciences
Classification: Likely benign for SMARCA4-related condition. Last evaluated: 2022-04-20. Review status: no assertion criteria provided. Collection method: clinical testing. Allele origin: germline. Not counted in ClinVar's aggregate classification.
Comment: This variant is classified as likely benign based on ACMG/AMP sequence variant interpretation guidelines (Richards et al. 2015 PMID: 25741868, with internal and published modifications).

Institute of Human Genetics, FAU Erlangen, Friedrich-Alexander-Universität Erlangen-Nürnberg
Classification: Benign for Ovarian cancer. Last evaluated: 2022-02-02. Review status: no assertion criteria provided. Collection method: clinical testing. Allele origin: germline. Affected: yes. Not counted in ClinVar's aggregate classification.
Comment: This variant is considered benign based on the following criteria: RT-PCR analysis performed on mRNA obtained from freshly drawn blood samples showed no evidence on aberrant splicing. In addition, a heterozygous coding SNP could also be detected on mRNA level.